The following is an entry in ClinVar:

ClinVar aggregate classification (germline): Uncertain significance (1 of 4 stars; one submission).

Conditions:
Deficiency of adenosine deaminase 2. Also called: Polyarteritis nodosa, childhoood-onset; VASCULITIS, AUTOINFLAMMATION, IMMUNODEFICIENCY, AND HEMATOLOGIC DEFECTS SYNDROME; Adenosine Deaminase 2 Deficiency. Identifiers: Orphanet 404553, MedGen C3887654, MONDO:0014306, OMIM 615688, MONDO:0100317.

Allele frequency attached by ClinVar (database versions not stated): TOPMed below 0.00001; gnomAD 0.00001.
gnomAD v4.1: 1 of 1,606,292 alleles (0.000062%); highest among the groups gnomAD compares: Admixed American, 0.0017%; no homozygotes.

Submission:

Labcorp Genetics (formerly Invitae), Labcorp
Classification: Uncertain significance for Deficiency of adenosine deaminase 2. Last evaluated: 2024-09-05. Review status: criteria provided, single submitter. Criteria: Invitae Variant Classification Sherloc (09022015). Collection method: clinical testing. Allele origin: germline.
Comment: This sequence change replaces tyrosine, which is neutral and polar, with cysteine, which is neutral and slightly polar, at codon 482 of the ADA2 protein (p.Tyr482Cys). This variant is not present in population databases (gnomAD no frequency). This missense change has been observed in individual(s) with clinical features of DADA2 deficiency (PMID: 31043544). ClinVar contains an entry for this variant (Variation ID: 1489106). An algorithm developed to predict the effect of missense changes on protein structure and function (PolyPhen-2) suggests that this variant is likely to be disruptive. In summary, the available evidence is currently insufficient to determine the role of this variant in disease. Therefore, it has been classified as a Variant of Uncertain Significance.

Literature cited by the submitters: PubMed 31043544.

NM_001282225.2(ADA2):c.1445A>G (p.Tyr482Cys)

Gene: ADA2 (adenosine deaminase 2; minus strand). Cytogenetic location: 22q11.1.
Variant type: single nucleotide variant.
Coding change: c.1445A>G on transcript NM_001282225.2 (MANE Select); coding-DNA position 1445, A replaced by G.
Protein change: p.Tyr482Cys; replaces tyrosine 482 with cysteine.
Molecular consequence: missense variant.
Genome position (GRCh38, 1-based): chr22:17,181,574, T>C on the plus strand (A>G on the coding strand, the complement: ADA2 is on the minus strand). VCF-style: chr22-17181574-T-C. GRCh37 (hg19) VCF-style: chr22-17662464-T-C.
Other names: c.1445A>G, p.Tyr482Cys (NM_001282226.2); c.1319A>G, p.Tyr440Cys (NM_001282227.2, NM_001282228.2); c.1085A>G, p.Tyr362Cys (NM_001282229.2); c.722A>G, p.Tyr241Cys (NM_177405.3); short protein forms Y440C, Y482C, Y362C, Y241C.
Identifiers: ClinVar variation 1489106 (VCV001489106.10), dbSNP rs1460820814, ClinGen allele CA410231585.
Genomic context (GRCh38, chr22:17,181,574, plus strand): 5'-TCCCATCTCTTCTTCCAGATTTCCATGAAAGTATTTTTCTCACTCTCCAACAGGGTACTG[T>C]ACCTGCAGGAAGAGGAGGAGCCCAGGTCAGCCTCAGGGCAGGGGTTGGGGAACGGGGCAG-3'
Protein context (NP_001269154.1, residues 472-492): LKQLAMNSIK[Tyr482Cys]STLLESEKNT